The following is an entry in ClinVar:

NM_014140.4(SMARCAL1):c.1749del (p.Met584fs)

Gene: SMARCAL1 (SNF2 related chromatin remodeling annealing helicase 1; plus strand). Cytogenetic location: 2q35.
Variant type: Deletion.
Coding change: c.1749del on transcript NM_014140.4 (MANE Select); coding-DNA position 1749, one base deleted (C; older notation c.1749delC).
Protein change: p.Met584fs; shifts the reading frame from methionine 584.
Molecular consequence: frameshift variant.
Genome position (GRCh38, 1-based): chr2:216,447,056, C deleted; the last of 2 consecutive C bases (chr2:216,447,055-216,447,056); deleting either gives the same sequence. VCF-style (leftmost placement, unchanged base first): chr2-216447054-GC-G. GRCh37 (hg19) VCF-style: chr2-217311777-GC-G.
Other names: c.1749del, p.Met584fs (NM_001127207.2); c.1749delC, p.Met584Cysfs (NM_014140.3); short protein forms M584fs.
Identifiers: ClinVar variation 4815596 (VCV004815596.1).

ClinVar aggregate classification (germline): Likely pathogenic (1 of 4 stars; one submission).

Conditions:
Schimke immuno-osseous dysplasia (SIOD). Also called: Schimke Immunoosseous Dysplasia. Identifiers: Orphanet 1830, MedGen C0877024, MONDO:0009458, OMIM 242900.

Submission:

Natera, Inc.
Classification: Likely pathogenic for Schimke immuno-osseous dysplasia. Last evaluated: 2024-12-31. Review status: criteria provided, single submitter. Criteria: Natera Variant Classification Schema (03/2026). Collection method: clinical testing. Allele origin: germline.
Comment: The c.1749del variant in SMARCAL1 is a frameshift variant predicted to shift the reading frame beginning at codon 584 and leads to a stop codon 50 codons downstream. This variant is expected to result in nonsense mediated decay, truncation, or a dysfunctional protein product. This variant is rare in the general population with a frequency below the threshold expected for the associated phenotype(s). Given the available evidence, this variant is classified as Likely Pathogenic.